The following is an entry in ClinVar:

ClinVar aggregate classification (germline): Likely benign (1 of 4 stars; one submission).

Conditions:
PRKCB-related disorder. Also called: PRKCB-related condition.

gnomAD v4.1: 184 of 1,606,330 alleles (0.011%); highest among the groups gnomAD compares: African/African-American, 0.22%; no homozygotes.

Submission:

PreventionGenetics, part of Exact Sciences
Classification: Likely benign for PRKCB-related condition. Last evaluated: 2026-01-05. Review status: criteria provided, single submitter. Criteria: ACMG Guidelines, 2015. Collection method: clinical testing. Allele origin: germline.
Comment: This variant is classified as likely benign based on ACMG/AMP sequence variant interpretation guidelines (Richards et al. 2015 PMID: 25741868, with internal and published modifications).

NM_002738.7(PRKCB):c.1722+9A>C

Gene: PRKCB (protein kinase C beta; plus strand). Cytogenetic location: 16p12.2.
Variant type: single nucleotide variant.
Coding change: c.1722+9A>C on transcript NM_002738.7 (MANE Select); 9 bases into the intron after coding-DNA position 1722, A replaced by C.
Molecular consequence: intron variant.
Genome position (GRCh38, 1-based): chr16:24,185,576, A>C. VCF-style: chr16-24185576-A-C. GRCh37 (hg19) VCF-style: chr16-24196897-A-C.
Other names: c.1722+9A>C (NM_212535.3).
Identifiers: ClinVar variation 4984515 (VCV004984515.1).